The following is an entry in ClinVar:

NM_000969.5(RPL5):c.364C>G (p.Gln122Glu)

Genes: DIPK1A (divergent protein kinase domain 1A; minus strand), RPL5 (ribosomal protein L5; plus strand). Cytogenetic location: 1p22.1.
Variant type: single nucleotide variant.
Coding change: c.364C>G on transcript NM_000969.5 (MANE Select); coding-DNA position 364, C replaced by G.
Protein change: p.Gln122Glu; replaces glutamine 122 with glutamic acid.
Molecular consequence: missense variant. On other transcripts: non-coding transcript variant (1), intron variant (1).
Genome position (GRCh38, 1-based): chr1:92,836,229, C>G. VCF-style: chr1-92836229-C-G. GRCh37 (hg19) VCF-style: chr1-93301786-C-G.
Other names: c.475-3195G>C (NM_001252273.2); short protein forms Q122E.
Identifiers: ClinVar variation 4754501 (VCV004754501.1).

ClinVar aggregate classification (germline): Uncertain significance (1 of 4 stars; one submission).

Conditions:
Diamond-Blackfan anemia. Also called: Blackfan Diamond syndrome; Aregenerative anemia chronic congenital; Red cell aplasia, pure hereditary; Congenital hypoplastic anemia; Aase syndrome. Identifiers: Orphanet 124, MedGen C1260899, MeSH D029503, MONDO:0015253, HP:0004810.

Submission:

Labcorp Genetics (formerly Invitae), Labcorp
Classification: Uncertain significance for Diamond-Blackfan anemia. Last evaluated: 2025-08-18. Review status: criteria provided, single submitter. Criteria: Invitae Variant Classification Sherloc (09022015). Collection method: clinical testing. Allele origin: germline.
Comment: This sequence change replaces glutamine, which is neutral and polar, with glutamic acid, which is acidic and polar, at codon 122 of the RPL5 protein (p.Gln122Glu). This variant is not present in population databases (gnomAD no frequency). This variant has not been reported in the literature in individuals affected with RPL5-related conditions. Invitae Evidence Modeling of protein sequence and biophysical properties (such as structural, functional, and spatial information, amino acid conservation, physicochemical variation, residue mobility, and thermodynamic stability) indicates that this missense variant is not expected to disrupt RPL5 protein function with a negative predictive value of 80%. In summary, the available evidence is currently insufficient to determine the role of this variant in disease. Therefore, it has been classified as a Variant of Uncertain Significance.